The following is an entry in ClinVar:

NM_000038.6(APC):c.7772_7773del (p.His2591fs)

Gene: APC (APC regulator of Wnt signaling pathway; plus strand). Cytogenetic location: 5q22.2.
Variant type: Deletion.
Coding change: c.7772_7773del on transcript NM_000038.6 (MANE Select); coding-DNA positions 7772 to 7773, 2 bases deleted (AT; older notation c.7772_7773delAT).
Protein change: p.His2591fs; shifts the reading frame from histidine 2591.
Molecular consequence: frameshift variant.
Genome position (GRCh38, 1-based): chr5:112,843,366-112,843,367, AT deleted. VCF-style (leftmost placement, unchanged base first): chr5-112843365-CAT-C. GRCh37 (hg19) VCF-style: chr5-112179062-CAT-C.
Other names: c.7394_7395del, p.His2465fs (NM_001354904.2); c.7292_7293del, p.His2431fs (NM_001354905.2); c.6923_6924del, p.His2308fs (NM_001354906.2); c.7718_7719del, p.His2573fs (NM_001127511.3); c.7772_7773del, p.His2591fs (NM_001354895.2, NM_001127510.3); c.7826_7827del, p.His2609fs (NM_001354896.2); c.7802_7803del, p.His2601fs (NM_001354897.2); c.7697_7698del, p.His2566fs (NM_001354898.2); and 6 more; short protein forms H2308fs, H2431fs, H2465fs, H2490fs, H2500fs, H2532fs, H2550fs, H2563fs.
Identifiers: ClinVar variation 1074715 (VCV001074715.14), dbSNP rs2149993527, ClinGen allele CA2499217501.

ClinVar aggregate classification (germline): Pathogenic. Review status: criteria provided, multiple submitters, no conflicts (2 of 4 stars). 5 submissions from 5 submitters: Pathogenic (5). Last evaluated 2026-05-11.

Conditions:
Familial multiple polyposis syndrome (FAP). Also called: Familial adenomatous polyposis; Familial intestinal polyposis; Familial Adenomatous Polyposis (FAP); Familial polyposis; Classic familial adenomatous polyposis. Identifiers: Orphanet 733, MedGen C0032580, MONDO:0021055. Disease mechanism: loss of function.
Familial adenomatous polyposis 1 (FAP1). Also called: FAMILIAL ADENOMATOUS POLYPOSIS 1, ATTENUATED; POLYPOSIS, ADENOMATOUS INTESTINAL. Identifiers: MedGen C2713442, MONDO:0021056, OMIM 175100. Disease mechanism: loss of function.
Hereditary cancer-predisposing syndrome. Also called: Hereditary neoplastic syndrome; Tumor predisposition; Neoplastic Syndromes, Hereditary; Hereditary Cancer Syndrome. Identifiers: Orphanet 140162, MedGen C0027672, MeSH D009386, MONDO:0015356.

Submissions (5):

Women's Health and Genetics/Laboratory Corporation of America, LabCorp
Classification: Pathogenic for Familial multiple polyposis syndrome. Last evaluated: 2026-05-11. Review status: criteria provided, single submitter. Criteria: LabCorp Variant Classification Summary - May 2015. Collection method: clinical testing. Allele origin: germline.
Comment: Variant summary: APC c.7772_7773delAT (p.His2591ArgfsX11) results in a premature termination codon in the last exon and is predicted to cause a truncation of the encoded protein; however, nonsense-mediated decay is not expected to occur. The variant was absent in 250800 control chromosomes. To our knowledge, no occurrence of c.7772_7773delAT in individuals affected with APC-related conditions and no experimental evidence demonstrating its impact on protein function have been reported. At least one downstream variant has been classified as Pathogenic (c.7932_7935delTTAT, p.Tyr2645LysfsX14), providing evidence that the region altered by the variant is critical to protein function. ClinVar contains an entry for this variant (Variation ID: 1074715). Based on the evidence outlined above, the variant was classified as pathogenic.

Labcorp Genetics (formerly Invitae), Labcorp
Classification: Pathogenic for Familial adenomatous polyposis 1. Last evaluated: 2024-04-15. Review status: criteria provided, single submitter. Criteria: Invitae Variant Classification Sherloc (09022015). Collection method: clinical testing. Allele origin: germline.
Comment: This sequence change creates a premature translational stop signal (p.His2591Argfs*11) in the APC gene. While this is not anticipated to result in nonsense mediated decay, it is expected to disrupt the last 253 amino acid(s) of the APC protein. This variant is not present in population databases (gnomAD no frequency). This variant has not been reported in the literature in individuals affected with APC-related conditions. ClinVar contains an entry for this variant (Variation ID: 1074715). This variant is expected to disrupt the EB1 and HDLG binding sites, which mediate interactions with the cytoskeleton (PMID: 15311282, 17293347). While functional studies have not been performed to directly test the effect on APC protein function, this suggests that disruption of the C-terminal portion of the protein is functionally important. A different truncation (p.Tyr2645Lysfs*14) that lies downstream of this variant has been determined to be pathogenic (PMID: 9824584, 1316610, 27081525, 8381579, 22135120, Invitae). This suggests that deletion of this region of the APC protein is causative of disease. For these reasons, this variant has been classified as Pathogenic.

Myriad Genetics, Inc.
Classification: Pathogenic for Familial adenomatous polyposis 1. Last evaluated: 2023-05-16. Review status: criteria provided, single submitter. Criteria: Myriad Autosomal Dominant, Autosomal Recessive and X-Linked Classification Criteria (2023). Collection method: clinical testing. Allele origin: unknown.
Comment: This variant is considered pathogenic. This variant creates a frameshift predicted to result in premature protein truncation.

Color Diagnostics, LLC DBA Color Health
Classification: Pathogenic for Hereditary cancer-predisposing syndrome. Last evaluated: 2022-05-16. Review status: criteria provided, single submitter. Criteria: ACMG Guidelines, 2015. Collection method: clinical testing. Allele origin: germline.
Comment: This variant deletes 2 nucleotides in exon 16 of the APC gene, creating a frameshift and premature translation stop signal in the last coding exon. This mutant transcript is predicted to escape nonsense-mediated decay and be expressed as a truncated protein. Although functional studies have not been reported, this variant is expected to disrupt the EB1-, and HDLG-binding sites (PMID: 17881494). To our knowledge, this variant has not been reported in individuals affected with hereditary cancer in the literature. Truncating variants occurring downstream of this variant are known to be disease-causing (ClinVar variation ID: 486770, 956814, 265577, 844610). This variant has not been identified in the general population by the Genome Aggregation Database (gnomAD). Loss of APC function is a known mechanism of disease. Based on the available evidence, this variant is classified as Pathogenic.

Ambry Genetics
Classification: Pathogenic for Hereditary cancer-predisposing syndrome. Last evaluated: 2018-01-08. Review status: criteria provided, single submitter. Criteria: Ambry Variant Classification Scheme 2023. Collection method: clinical testing. Allele origin: germline.
Comment: The c.7772_7773delAT pathogenic mutation, located in coding exon 15 of the APC gene, results from a deletion of two nucleotides at nucleotide positions 7772 to 7773, causing a translational frameshift with a predicted alternate stop codon (p.H2591Rfs*11). This alteration is expected to result in loss of function by premature protein truncation. As such, this alteration is interpreted as a disease-causing mutation.

Literature cited by the submitters: PubMed 15311282 (cited by Labcorp Genetics (formerly Invitae), Labcorp); PubMed 17293347 (cited by Labcorp Genetics (formerly Invitae), Labcorp); PubMed 9824584 (cited by Labcorp Genetics (formerly Invitae), Labcorp); PubMed 1316610 (cited by Labcorp Genetics (formerly Invitae), Labcorp); PubMed 27081525 (cited by Labcorp Genetics (formerly Invitae), Labcorp); PubMed 8381579 (cited by Labcorp Genetics (formerly Invitae), Labcorp); PubMed 22135120 (cited by Labcorp Genetics (formerly Invitae), Labcorp); PubMed 17881494 (cited by Color Diagnostics, LLC DBA Color Health).